The following is an entry in ClinVar:

NM_001103.4(ACTN2):c.780G>C (p.Glu260Asp)

Gene: ACTN2 (actinin alpha 2; plus strand). Cytogenetic location: 1q43.
Variant type: single nucleotide variant.
Coding change: c.780G>C on transcript NM_001103.4 (MANE Select); coding-DNA position 780, G replaced by C.
Protein change: p.Glu260Asp; replaces glutamic acid 260 with aspartic acid.
Molecular consequence: missense variant. On other transcripts: intron variant (1).
Genome position (GRCh38, 1-based): chr1:236,735,717, G>C. VCF-style: chr1-236735717-G-C. GRCh37 (hg19) VCF-style: chr1-236899017-G-C.
Other names: c.780G>C (NM_001103.3, NM_001103.2); c.45G>C, p.Glu15Asp (NM_001278344.2); c.783+1199G>C (NM_001278343.2); short protein forms E15D, E260D.
Identifiers: ClinVar variation 1348126 (VCV001348126.8), dbSNP rs1242086183, ClinGen allele CA345377739.
Genomic context (GRCh38, chr1:236,735,717, plus strand): 5'-CGATGAAAGAGCCATCATGACGTACGTCTCTTGCTTCTACCACGCTTTTGCGGGCGCGGA[G>C]CAGGTACTCAACACTTGTCCGTCCGGGCTGTTGTGTTACTCTCTGTTGGTTTTAGTTGTG-3'
Protein context (NP_001094.1, residues 250-270): SCFYHAFAGA[Glu260Asp]QAETAANRIC

ClinVar aggregate classification (germline): Conflicting classifications of pathogenicity. Review status: criteria provided, conflicting classifications (1 of 4 stars). 3 submissions from 3 submitters: Uncertain significance (2); Likely benign (1). Last evaluated 2026-03-11.

Conditions:
ACTN2-related disorder. Also called: ACTN2-related disorders; ACTN2 related condition.
Cardiovascular phenotype. Identifiers: MedGen CN230736.
Dilated cardiomyopathy 1AA (CMD1AA). Also called: CARDIOMYOPATHY, DILATED, 1AA, WITH OR WITHOUT LEFT VENTRICULAR NONCOMPACTION; CARDIOMYOPATHY, FAMILIAL HYPERTROPHIC, 23, WITH OR WITHOUT LEFT VENTRICULAR NONCOMPACTION; Cardiomyopathy, dilated, 1AA, with or without LVNC. Identifiers: Orphanet 154, MedGen C2677338, MONDO:0012808, OMIM 612158.
Primary familial hypertrophic cardiomyopathy (HCM). Identifiers: Orphanet 99739, MedGen C0949658, MeSH D024741, MONDO:0024573. Inheritance: Various modes of inheritance.

Allele frequency attached by ClinVar (database versions not stated): gnomAD exomes below 0.00001 and 0.00001; gnomAD 0.00001; TOPMed 0.00002.
gnomAD v4.1: 2 of 1,613,942 alleles (0.00012%); highest among the groups gnomAD compares: African/African-American, 0.0027%; no homozygotes.

Submissions (3):

PreventionGenetics, part of Exact Sciences
Classification: Uncertain significance for ACTN2-related condition. Last evaluated: 2026-03-11. Review status: criteria provided, single submitter. Criteria: ACMG Guidelines, 2015. Collection method: clinical testing. Allele origin: germline.
Comment: The ACTN2 c.780G>C variant is predicted to result in the amino acid substitution p.Glu260Asp. To our knowledge, this variant has not been reported in the literature. This variant is reported in 0.012% of alleles in individuals of African descent in gnomAD. Although we suspect that this variant may be benign, at this time, the clinical significance of this variant is uncertain due to the absence of conclusive functional and genetic evidence.

Ambry Genetics
Classification: Uncertain significance for Cardiovascular phenotype. Last evaluated: 2026-02-27. Review status: criteria provided, single submitter. Criteria: Ambry Variant Classification Scheme 2023. Collection method: clinical testing. Allele origin: germline.
Comment: The p.E260D variant (also known as c.780G>C), located in coding exon 8 of the ACTN2 gene, results from a G to C substitution at nucleotide position 780. The glutamic acid at codon 260 is replaced by aspartic acid, an amino acid with highly similar properties. This amino acid position is well conserved in available vertebrate species. In addition, the in silico prediction for this alteration is inconclusive. Based on the available evidence, the clinical significance of this variant remains unclear.

Labcorp Genetics (formerly Invitae), Labcorp
Classification: Likely benign for Primary familial hypertrophic cardiomyopathy; Dilated cardiomyopathy 1AA. Last evaluated: 2025-09-09. Review status: criteria provided, single submitter. Criteria: Invitae Variant Classification Sherloc (09022015). Collection method: clinical testing. Allele origin: germline.